The following is an entry in ClinVar:

NM_032043.3(BRIP1):c.641G>C (p.Cys214Ser)

Gene: BRIP1 (BRCA1 interacting DNA helicase 1; minus strand). Cytogenetic location: 17q23.2.
Variant type: single nucleotide variant.
Coding change: c.641G>C on transcript NM_032043.3 (MANE Select); coding-DNA position 641, G replaced by C.
Protein change: p.Cys214Ser; replaces cysteine 214 with serine.
Molecular consequence: missense variant.
Genome position (GRCh38, 1-based): chr17:61,808,744, C>G on the plus strand (G>C on the coding strand, the complement: BRIP1 is on the minus strand). VCF-style: chr17-61808744-C-G. GRCh37 (hg19) VCF-style: chr17-59886105-C-G.
Other names: short protein forms C214S.
Identifiers: ClinVar variation 483206 (VCV000483206.19), dbSNP rs779409059, ClinGen allele CA8690868.

ClinVar aggregate classification (germline): Uncertain significance. Review status: criteria provided, multiple submitters, no conflicts (2 of 4 stars). 3 submissions from 3 submitters: Uncertain significance (3). Last evaluated 2026-01-24.

Conditions:
Fanconi anemia complementation group J. Also called: BRIP1-Related Fanconi Anemia. Identifiers: Orphanet 84, MedGen C1836860, MONDO:0012187, OMIM 609054.
Familial cancer of breast. Also called: BREAST CANCER, FAMILIAL; Hereditary breast cancer; hereditary breast carcinoma. Identifiers: Orphanet 227535, MedGen C0346153, MONDO:0016419, OMIM 114480. Disease mechanism: loss of function.
Hereditary cancer-predisposing syndrome. Also called: Hereditary neoplastic syndrome; Neoplastic Syndromes, Hereditary; Tumor predisposition; Hereditary Cancer Syndrome. Identifiers: Orphanet 140162, MedGen C0027672, MeSH D009386, MONDO:0015356.

Allele frequency attached by ClinVar (database versions not stated): ExAC 0.00001; gnomAD exomes 0.00001.
gnomAD v4.1: 7 of 1,613,014 alleles (0.00043%); highest among the groups gnomAD compares: Non-Finnish European, 0.00059%; no homozygotes.

Submissions (3):

Labcorp Genetics (formerly Invitae), Labcorp
Classification: Uncertain significance for Familial cancer of breast; Fanconi anemia complementation group J. Last evaluated: 2026-01-24. Review status: criteria provided, single submitter. Criteria: Invitae Variant Classification Sherloc (09022015). Collection method: clinical testing. Allele origin: germline.
Comment: This sequence change replaces cysteine, which is neutral and slightly polar, with serine, which is neutral and polar, at codon 214 of the BRIP1 protein (p.Cys214Ser). This variant is present in population databases (rs779409059, gnomAD 0.002%). This variant has not been reported in the literature in individuals affected with BRIP1-related conditions. ClinVar contains an entry for this variant (Variation ID: 483206). Invitae Evidence Modeling of protein sequence and biophysical properties (such as structural, functional, and spatial information, amino acid conservation, physicochemical variation, residue mobility, and thermodynamic stability) indicates that this missense variant is not expected to disrupt BRIP1 protein function with a negative predictive value of 95%. In summary, the available evidence is currently insufficient to determine the role of this variant in disease. Therefore, it has been classified as a Variant of Uncertain Significance.

Ambry Genetics
Classification: Uncertain significance for Hereditary cancer-predisposing syndrome. Last evaluated: 2024-10-11. Review status: criteria provided, single submitter. Criteria: Ambry Variant Classification Scheme 2023. Collection method: clinical testing. Allele origin: germline.
Comment: The p.C214S variant (also known as c.641G>C), located in coding exon 6 of the BRIP1 gene, results from a G to C substitution at nucleotide position 641. The cysteine at codon 214 is replaced by serine, an amino acid with dissimilar properties. One study detected this alteration in 1/549 ovarian cancer cases and 0/1366 controls from the Netherlands and did not detect this alteration in any ovarian cancer cases or controls from either Spain or Iceland (Rafnar T et al. Nat. Genet., 2011 Oct;43:1104-7). This amino acid position is highly conserved in available vertebrate species. In addition, this alteration is predicted to be deleterious by in silico analysis. Since supporting evidence is limited at this time, the clinical significance of this alteration remains unclear.

Color Diagnostics, LLC DBA Color Health
Classification: Uncertain significance for Hereditary cancer-predisposing syndrome. Last evaluated: 2019-04-17. Review status: criteria provided, single submitter. Criteria: ACMG Guidelines, 2015. Collection method: clinical testing. Allele origin: germline.

Literature cited by the submitters: PubMed 21964575 (cited by Ambry Genetics).